The following is an entry in ClinVar:

ClinVar aggregate classification (germline): Likely benign (0 of 4 stars; one submission).

Conditions:
CIC-related disorder. Also called: CIC-related condition.

Allele frequency attached by ClinVar (database versions not stated): gnomAD exomes 0.00002; ExAC 0.00006; gnomAD 0.00008; TOPMed 0.00012; ESP Exome Variant Server 0.00015.
gnomAD v4.1: 36 of 1,613,248 alleles (0.0022%); highest among the groups gnomAD compares: African/African-American, 0.025%; no homozygotes.

Submission:

PreventionGenetics, part of Exact Sciences
Classification: Likely benign for CIC-related condition. Last evaluated: 2023-06-21. Review status: no assertion criteria provided. Collection method: clinical testing. Allele origin: germline.
Comment: This variant is classified as likely benign based on ACMG/AMP sequence variant interpretation guidelines (Richards et al. 2015 PMID: 25741868, with internal and published modifications).

NM_001386298.1(CIC):c.4493G>A (p.Arg1498Gln)

Gene: CIC (capicua transcriptional repressor; plus strand). Cytogenetic location: 19q13.2.
Variant type: single nucleotide variant.
Coding change: c.4493G>A on transcript NM_001386298.1 (MANE Select); coding-DNA position 4493, G replaced by A.
Protein change: p.Arg1498Gln; replaces arginine 1498 with glutamine.
Molecular consequence: missense variant.
Genome position (GRCh38, 1-based): chr19:42,290,534, G>A. VCF-style: chr19-42290534-G-A. GRCh37 (hg19) VCF-style: chr19-42794686-G-A.
Other names: c.4493G>A, p.Arg1498Gln (NM_001304815.2, NM_001379480.1, NM_001379482.1 and 1 more transcripts); c.1766G>A, p.Arg589Gln (NM_001379484.1, NM_001379485.1, NM_015125.5); short protein forms R1498Q, R589Q.
Identifiers: ClinVar variation 3038513 (VCV003038513.2), dbSNP rs202152564, ClinGen allele CA9472099.